The following is an entry in ClinVar:

ClinVar aggregate classification (germline): Uncertain significance (1 of 4 stars; one submission).

Conditions:
Leigh syndrome (NULS). Also called: Leigh Disease; Subacute necrotizing encephalopathy; Necrotizing encephalopathy infantile subacute of Leigh; LEIGH SYNDROME, NUCLEAR; Leigh's necrotizing encephalopathy; Leigh's disease. Identifiers: Orphanet 506, MedGen C2931891, MONDO:0009723, OMIM 256000.

Submission:

Labcorp Genetics (formerly Invitae), Labcorp
Classification: Uncertain significance for Leigh syndrome. Last evaluated: 2022-07-20. Review status: criteria provided, single submitter. Criteria: Invitae Variant Classification Sherloc (09022015). Collection method: clinical testing. Allele origin: germline.
Comment: This variant results in a copy number gain of the genomic region encompassing exon(s) 1-2 of the SURF1 gene. This region includes the initiator codon of the gene. This copy number gain extends beyond the assayed region for this gene and therefore may encompass additional genes. As the precise location of this event is unknown, it may be in tandem or it may be located elsewhere in the genome. This variant has not been reported in the literature in individuals affected with SURF1-related conditions. Experimental studies and prediction algorithms are not available or were not evaluated, and the functional significance of this variant is currently unknown. In summary, the available evidence is currently insufficient to determine the role of this variant in disease. Therefore, it has been classified as a Variant of Uncertain Significance.

NC_000009.11:g.(?_136223104)_(136223329_?)dup

Gene: SURF1 (SURF1 cytochrome c oxidase assembly factor; minus strand). Cytogenetic location: 9q34.2.
Variant type: Duplication.
Identifiers: ClinVar variation 2424646 (VCV002424646.3).